The following is an entry in ClinVar:

ClinVar aggregate classification (germline): Uncertain significance (1 of 4 stars; one submission).

Conditions:
Epidermolysis bullosa simplex 3, localized or generalized intermediate, with BP230 deficiency (EBS3). Also called: Epidermolysis bullosa simplex due to BP230 deficiency; Epidermolysis bullosa simplex, autosomal recessive 2. Identifiers: Orphanet 412181, MedGen C3809470, MONDO:0014180, OMIM 615425.
Hereditary sensory and autonomic neuropathy type 6. Also called: Neuropathy, hereditary sensory and autonomic, type VI; HSAN VI. Identifiers: Orphanet 314381, MedGen C3539003, MONDO:0013839, OMIM 614653.

Allele frequency attached by ClinVar (database versions not stated): TOPMed below 0.00001; ExAC 0.00001; gnomAD 0.00003 and 0.00004; 1000 Genomes Project 0.00020; 1000 Genomes Project 30x 0.00031.
gnomAD v4.1: 14 of 1,613,752 alleles (0.00087%); highest among the groups gnomAD compares: East Asian, 0.0089%; no homozygotes.

Submission:

Labcorp Genetics (formerly Invitae), Labcorp
Classification: Uncertain significance for Epidermolysis bullosa simplex 3, localized or generalized intermediate, with BP230 deficiency; Hereditary sensory and autonomic neuropathy type 6. Last evaluated: 2020-02-21. Review status: criteria provided, single submitter. Criteria: Invitae Variant Classification Sherloc (09022015). Collection method: clinical testing. Allele origin: germline.
Comment: This sequence change replaces leucine with phenylalanine at codon 1534 of the DST protein (p.Leu1534Phe). The leucine residue is highly conserved and there is a small physicochemical difference between leucine and phenylalanine. The DST gene has multiple clinically relevant transcripts. The p.Leu1534Phe variant occurs in alternate transcript NM_015548.4, which corresponds to c.*21597C>T in NM_001723.5, the primary transcript listed in the Methods. In summary, the available evidence is currently insufficient to determine the role of this variant in disease. Therefore, it has been classified as a Variant of Uncertain Significance. Algorithms developed to predict the effect of missense changes on protein structure and function are either unavailable or do not agree on the potential impact of this missense change (SIFT: "Tolernated"; PolyPhen-2: "Not Available"; Align-GVGD: "Class C0"). This variant has not been reported in the literature in individuals with DST-related conditions. This variant is present in population databases (rs554822347, ExAC 0.006%).

NM_001374736.1(DST):c.12469C>T (p.Leu4157Phe)

Genes: DST (dystonin; minus strand), LOC129996656 (ATAC-STARR-seq lymphoblastoid active region 24702; plus strand). Cytogenetic location: 6p12.1.
Variant type: single nucleotide variant.
Coding change: c.12469C>T on transcript NM_001374736.1 (MANE Select); coding-DNA position 12469, C replaced by T.
Protein change: p.Leu4157Phe; replaces leucine 4157 with phenylalanine.
Molecular consequence: missense variant.
Genome position (GRCh38, 1-based): chr6:56,593,920, G>A on the plus strand (C>T on the coding strand, the complement: DST is on the minus strand). VCF-style: chr6-56593920-G-A. GRCh37 (hg19) VCF-style: chr6-56458718-G-A.
Other names: c.6112C>T, p.Leu2038Phe (NM_001144769.5); c.5698C>T, p.Leu1900Phe (NM_001144770.2); c.12469C>T, p.Leu4157Phe (NM_001374722.1); c.11836C>T, p.Leu3946Phe (NM_001374729.1); c.5578C>T, p.Leu1860Phe (NM_001374730.1, NM_183380.4); c.12496C>T, p.Leu4166Phe (NM_001374734.1); c.4600C>T, p.Leu1534Phe (NM_015548.5); short protein forms L1900F, L4157F, L1534F, L2038F, L3946F, L4166F, L1860F.
Identifiers: ClinVar variation 972651 (VCV000972651.8), dbSNP rs554822347, ClinGen allele CA3868449.